The following is an entry in ClinVar:

ClinVar aggregate classification (germline): Uncertain significance. Review status: criteria provided, multiple submitters, no conflicts (2 of 4 stars). 2 submissions from 2 submitters: Uncertain significance (2). Last evaluated 2023-06-08.

Conditions:
RYR1-related disorder. Also called: RYR1-related disorders; RYR1-related condition. Identifiers: MedGen CN239331.
Malignant hyperthermia, susceptibility to, 1 (MHS1). Also called: Malignant hyperthermia suceptibility 1; RYR1-Related Malignant Hyperthermia Susceptibility; Anesthesia related hyperthermia; Malignant hyperpyrexia; Fulminating hyperpyrexia; Pharmacogenic myopathy. Identifiers: Orphanet 423, MedGen C2930980, MONDO:0007783, OMIM 145600.

gnomAD v4.1: 1 of 1,574,864 alleles (0.000063%); highest among the groups gnomAD compares: Non-Finnish European, 0.000086%; no homozygotes.

Submissions (2):

All of Us Research Program, National Institutes of Health
Classification: Uncertain significance for Malignant hyperthermia, susceptibility to, 1. Last evaluated: 2023-06-08. Review status: criteria provided, single submitter. Criteria: ACMG Guidelines, 2015. Collection method: clinical testing. Allele origin: germline. Inheritance: Autosomal dominant inheritance. Observed: 1 variant allele, 1 heterozygote.
Comment: This missense variant replaces valine with alanine at codon 3218 of the RYR1 protein. Computational prediction is inconclusive regarding the impact of this variant on protein structure and function (internally defined REVEL score threshold 0.5 < inconclusive < 0.7, PMID: 27666373). To our knowledge, functional studies have not been reported for this variant. This variant has not been reported in individuals affected with RYR1-related disorders in the literature. This variant has not been identified in the general population by the Genome Aggregation Database (gnomAD). The available evidence is insufficient to determine the role of this variant in disease conclusively. Therefore, this variant is classified as a Variant of Uncertain Significance.

This study involves interpretation of variants in research participants for the purpose of population health screening. Participant phenotype was not available at the time of variant classification. Additional details can be found in publication PMID: 35346344, PMCID: PMC8962531

Labcorp Genetics (formerly Invitae), Labcorp
Classification: Uncertain significance for RYR1-related disorder. Last evaluated: 2022-09-28. Review status: criteria provided, single submitter. Criteria: Invitae Variant Classification Sherloc (09022015). Collection method: clinical testing. Allele origin: germline.
Comment: This sequence change replaces valine, which is neutral and non-polar, with alanine, which is neutral and non-polar, at codon 3218 of the RYR1 protein (p.Val3218Ala). In summary, the available evidence is currently insufficient to determine the role of this variant in disease. Therefore, it has been classified as a Variant of Uncertain Significance. Advanced modeling of protein sequence and biophysical properties (such as structural, functional, and spatial information, amino acid conservation, physicochemical variation, residue mobility, and thermodynamic stability) performed at Invitae indicates that this missense variant is expected to disrupt RYR1 protein function. ClinVar contains an entry for this variant (Variation ID: 578955). This variant has not been reported in the literature in individuals affected with RYR1-related conditions. This variant is not present in population databases (gnomAD no frequency).

NM_000540.3(RYR1):c.9653T>C (p.Val3218Ala)

Gene: RYR1 (ryanodine receptor 1; plus strand). Cytogenetic location: 19q13.2.
Variant type: single nucleotide variant.
Coding change: c.9653T>C on transcript NM_000540.3 (MANE Select); coding-DNA position 9653, T replaced by C.
Protein change: p.Val3218Ala; replaces valine 3218 with alanine.
Molecular consequence: missense variant.
Genome position (GRCh38, 1-based): chr19:38,516,185, T>C. VCF-style: chr19-38516185-T-C. GRCh37 (hg19) VCF-style: chr19-39006825-T-C.
Other names: c.9653T>C, p.Val3218Ala (NM_001042723.2); short protein forms V3218A.
Identifiers: ClinVar variation 578955 (VCV000578955.9), dbSNP rs1281524830, ClinGen allele CA405690677.
Genomic context (GRCh38, chr19:38,516,185, plus strand): 5'-CAGCAGCCATGCCGGTGGCGTTCCTGGAGCCGCAGCTGAACGAGTACAACGCCTGCTCCG[T>C]GTACACCACCAAGTCTCCGCGGGAGCGGGCCAGTAAGCTGTGTGGGGCGGGAGCAGTGCT-3'
Protein context (NP_000531.2, residues 3208-3228): PQLNEYNACS[Val3218Ala]YTTKSPRERA